The following is an entry in ClinVar:

NM_004415.4(DSP):c.7349A>C (p.Lys2450Thr)

Gene: DSP (desmoplakin; plus strand). Cytogenetic location: 6p24.3.
Variant type: single nucleotide variant.
Coding change: c.7349A>C on transcript NM_004415.4 (MANE Select); coding-DNA position 7349, A replaced by C.
Protein change: p.Lys2450Thr; replaces lysine 2450 with threonine.
Molecular consequence: missense variant.
Genome position (GRCh38, 1-based): chr6:7,584,611, A>C. VCF-style: chr6-7584611-A-C. GRCh37 (hg19) VCF-style: chr6-7584844-A-C.
Other names: c.5552A>C, p.Lys1851Thr (NM_001008844.3); c.6020A>C, p.Lys2007Thr (NM_001319034.2); short protein forms K1851T, K2450T, K2007T.
Identifiers: ClinVar variation 4614052 (VCV004614052.1).
Genomic context (GRCh38, chr6:7,584,611, plus strand): 5'-AAGAAAGATGCATTAAGGATGAGGAAACAGGGCTCTGTCTTCTGCCTCTGAAAGAAAAGA[A>C]GAAACAGGTGCAGACATCACAAAAGAATACCCTCAGGAAGCGTAGAGTGGTCATAGTTGA-3'
Protein context (NP_004406.2, residues 2440-2460): GLCLLPLKEK[Lys2450Thr]KQVQTSQKNT

ClinVar aggregate classification (germline): Uncertain significance (1 of 4 stars; one submission).

Conditions:
Cardiovascular phenotype. Identifiers: MedGen CN230736.

Submission:

Ambry Genetics
Classification: Uncertain significance for Cardiovascular phenotype. Last evaluated: 2025-12-10. Review status: criteria provided, single submitter. Criteria: Ambry Variant Classification Scheme 2023. Collection method: clinical testing. Allele origin: germline.
Comment: The p.K2450T variant (also known as c.7349A>C), located in coding exon 24 of the DSP gene, results from an A to C substitution at nucleotide position 7349. The lysine at codon 2450 is replaced by threonine, an amino acid with similar properties. This amino acid position is conserved. In addition, the in silico prediction for this alteration is inconclusive. Based on the available evidence, the clinical significance of this variant remains unclear.